The following is an entry in ClinVar:

NM_000081.4(LYST):c.8003G>A (p.Arg2668Lys)

Gene: LYST (lysosomal trafficking regulator; minus strand). Cytogenetic location: 1q42.3.
Variant type: single nucleotide variant.
Coding change: c.8003G>A on transcript NM_000081.4 (MANE Select); coding-DNA position 8003, G replaced by A.
Protein change: p.Arg2668Lys; replaces arginine 2668 with lysine.
Molecular consequence: missense variant.
Genome position (GRCh38, 1-based): chr1:235,744,127, C>T on the plus strand (G>A on the coding strand, the complement: LYST is on the minus strand). VCF-style: chr1-235744127-C-T. GRCh37 (hg19) VCF-style: chr1-235907427-C-T.
Other names: c.8003G>A, p.Arg2668Lys (NM_001301365.1); short protein forms R2668K.
Identifiers: ClinVar variation 1397034 (VCV001397034.5), dbSNP rs1416779664, ClinGen allele CA344925161.

ClinVar aggregate classification (germline): Uncertain significance (1 of 4 stars; one submission).

Conditions:
Chédiak-Higashi syndrome (CHS). Also called: Chediak-Higashi Syndrome. Identifiers: Orphanet 167, MedGen C0007965, MONDO:0008963, OMIM 214500.

Allele frequency attached by ClinVar (database versions not stated): gnomAD exomes below 0.00001; TOPMed below 0.00001; gnomAD 0.00001.
gnomAD v4.1: 3 of 1,596,336 alleles (0.00019%); highest among the groups gnomAD compares: Non-Finnish European, 0.00026%; no homozygotes.

Submission:

Labcorp Genetics (formerly Invitae), Labcorp
Classification: Uncertain significance for Chédiak-Higashi syndrome. Last evaluated: 2021-12-15. Review status: criteria provided, single submitter. Criteria: Invitae Variant Classification Sherloc (09022015). Collection method: clinical testing. Allele origin: germline.
Comment: This sequence change replaces arginine, which is basic and polar, with lysine, which is basic and polar, at codon 2668 of the LYST protein (p.Arg2668Lys). This variant is present in population databases (no rsID available, gnomAD 0.0009%). This variant has not been reported in the literature in individuals affected with LYST-related conditions. Algorithms developed to predict the effect of missense changes on protein structure and function (SIFT, PolyPhen-2, Align-GVGD) all suggest that this variant is likely to be tolerated. In summary, the available evidence is currently insufficient to determine the role of this variant in disease. Therefore, it has been classified as a Variant of Uncertain Significance.